The following is an entry in ClinVar:

ClinVar aggregate classification (germline): Uncertain significance (1 of 4 stars; one submission).

Allele frequency attached by ClinVar (database versions not stated): gnomAD exomes below 0.00001.
gnomAD v4.1: 1 of 1,604,148 alleles (0.000062%); highest among the groups gnomAD compares: Non-Finnish European, 0.000085%; no homozygotes.

Submission:

CeGaT Center for Human Genetics Tuebingen
Classification: Uncertain significance. Last evaluated: 2023-07-01. Review status: criteria provided, single submitter. Criteria: CeGaT Center For Human Genetics Tuebingen Variant Classification Criteria Version 2. Collection method: clinical testing. Allele origin: germline. Affected: yes. Observed: 1 variant allele.
Comment: SRD5A3: PM2, PP4:Moderate

NM_024592.5(SRD5A3):c.152G>C (p.Arg51Pro)

Gene: SRD5A3 (steroid 5 alpha-reductase 3; plus strand). Cytogenetic location: 4q12.
Variant type: single nucleotide variant.
Coding change: c.152G>C on transcript NM_024592.5 (MANE Select); coding-DNA position 152, G replaced by C.
Protein change: p.Arg51Pro; replaces arginine 51 with proline.
Molecular consequence: missense variant.
Genome position (GRCh38, 1-based): chr4:55,346,488, G>C. VCF-style: chr4-55346488-G-C. GRCh37 (hg19) VCF-style: chr4-56212655-G-C.
Other names: c.152G>C, p.Arg51Pro (NM_001410732.1); short protein forms R51P.
Identifiers: ClinVar variation 2571203 (VCV002571203.27), dbSNP rs1719000685, ClinGen allele CA356956787.